The following is an entry in ClinVar:

ClinVar aggregate classification (germline): Conflicting classifications of pathogenicity. Review status: criteria provided, conflicting classifications (1 of 4 stars). 4 submissions from 3 submitters: Uncertain significance (2); Likely benign (1). 1 of the submissions does not count toward it. Last evaluated 2025-08-21.

Conditions:
Short-rib thoracic dysplasia 7 with or without polydactyly (SRTD7). Also called: Short rib polydactyly syndrome 5; SHORT-RIB THORACIC DYSPLASIA 7 WITH POLYDACTYLY. Identifiers: Orphanet 498497, Orphanet 93271, MedGen C3279792, MONDO:0013569, OMIM 614091.
Cranioectodermal dysplasia 2 (CED2). Identifiers: Orphanet 1515, MedGen C3150874, MONDO:0013323, OMIM 613610.
WDR35-related disorder. Also called: WDR35-related disorders; WDR35-related condition. Identifiers: MedGen CN239419.

Allele frequency attached by ClinVar (database versions not stated): gnomAD exomes 0.00006 and 0.00002; 1000 Genomes Project 30x 0.00016; gnomAD 0.00003; TOPMed 0.00003; 1000 Genomes Project 0.00020; ExAC 0.00005.
gnomAD v4.1: 39 of 1,614,112 alleles (0.0024%); highest among the groups gnomAD compares: East Asian, 0.074%; no homozygotes.

Submissions (4):

Labcorp Genetics (formerly Invitae), Labcorp
Classification: Likely benign for Cranioectodermal dysplasia 2; Short-rib thoracic dysplasia 7 with or without polydactyly. Last evaluated: 2025-08-21. Review status: criteria provided, single submitter. Criteria: Invitae Variant Classification Sherloc (09022015). Collection method: clinical testing. Allele origin: germline.

Illumina Laboratory Services, Illumina
Classification: Uncertain significance for Cranioectodermal dysplasia 2. Last evaluated: 2018-01-13. Review status: criteria provided, single submitter. Criteria: ICSL Variant Classification Criteria 13 December 2019. Collection method: clinical testing. Allele origin: germline.

Illumina Laboratory Services, Illumina
Classification: Uncertain significance for Short-rib thoracic dysplasia 7 with or without polydactyly. Last evaluated: 2018-01-13. Review status: criteria provided, single submitter. Criteria: ICSL Variant Classification Criteria 13 December 2019. Collection method: clinical testing. Allele origin: germline.

PreventionGenetics, part of Exact Sciences
Classification: Likely benign for WDR35-related condition. Last evaluated: 2020-01-28. Review status: no assertion criteria provided. Collection method: clinical testing. Allele origin: germline. Not counted in ClinVar's aggregate classification.
Comment: This variant is classified as likely benign based on ACMG/AMP sequence variant interpretation guidelines (Richards et al. 2015 PMID: 25741868, with internal and published modifications).

NM_020779.4(WDR35):c.1260A>G (p.Pro420=)

Gene: WDR35 (WD repeat domain 35; minus strand). Cytogenetic location: 2p24.1.
Variant type: single nucleotide variant.
Coding change: c.1260A>G on transcript NM_020779.4 (MANE Select); coding-DNA position 1260, A replaced by G.
Protein change: p.Pro420=; no amino-acid change (proline 420 retained).
Molecular consequence: synonymous variant.
Genome position (GRCh38, 1-based): chr2:19,953,974, T>C on the plus strand (A>G on the coding strand, the complement: WDR35 is on the minus strand). VCF-style: chr2-19953974-T-C. GRCh37 (hg19) VCF-style: chr2-20153735-T-C.
Other names: c.1293A>G, p.Pro431= (NM_001006657.2).
Identifiers: ClinVar variation 898197 (VCV000898197.14), dbSNP rs573958749, ClinGen allele CA1543272.